The following is an entry in ClinVar:

ClinVar aggregate classification (germline): Uncertain significance (1 of 4 stars; one submission).

Submission:

Labcorp Genetics (formerly Invitae), Labcorp
Classification: Uncertain significance. Last evaluated: 2021-09-10. Review status: criteria provided, single submitter. Criteria: Invitae Variant Classification Sherloc (09022015). Collection method: clinical testing. Allele origin: germline.
Comment: In summary, the available evidence is currently insufficient to determine the role of this variant in disease. Therefore, it has been classified as a Variant of Uncertain Significance. Advanced modeling of protein sequence and biophysical properties (such as structural, functional, and spatial information, amino acid conservation, physicochemical variation, residue mobility, and thermodynamic stability) performed at Invitae indicates that this missense variant is not expected to disrupt NTRK2 protein function. This variant has not been reported in the literature in individuals affected with NTRK2-related conditions. This variant is not present in population databases (ExAC no frequency). This sequence change replaces asparagine with histidine at codon 659 of the NTRK2 protein (p.Asn659His). The asparagine residue is moderately conserved and there is a small physicochemical difference between asparagine and histidine.

NM_006180.6(NTRK2):c.1975A>C (p.Asn659His)

Gene: NTRK2 (neurotrophic receptor tyrosine kinase 2; plus strand). Cytogenetic location: 9q21.33.
Variant type: single nucleotide variant.
Coding change: c.1975A>C on transcript NM_006180.6 (MANE Select); coding-DNA position 1975, A replaced by C.
Protein change: p.Asn659His; replaces asparagine 659 with histidine.
Molecular consequence: missense variant.
Genome position (GRCh38, 1-based): chr9:84,955,320, A>C. VCF-style: chr9-84955320-A-C. GRCh37 (hg19) VCF-style: chr9-87570235-A-C.
Other names: c.1927A>C, p.Asn643His (NM_001018064.3, NM_001369532.1, NM_001369533.1); c.1891A>C, p.Asn631His (NM_001369534.1); c.1459A>C, p.Asn487His (NM_001369535.1); c.1507A>C, p.Asn503His (NM_001369536.1); short protein forms N503H, N487H, N631H, N659H, N643H.
Identifiers: ClinVar variation 1415804 (VCV001415804.6), dbSNP rs2132972893, ClinGen allele CA374009967.
Genomic context (GRCh38, chr9:84,955,320, plus strand): 5'-TCATTCTCCATGTCCTTCCCCAGGGCACACGGCCCTGATGCCGTGCTGATGGCTGAGGGC[A>C]ACCCGCCCACGGAACTGACGCAGTCGCAGATGCTGCATATAGCCCAGCAGATCGCCGCGG-3'
Protein context (NP_006171.2, residues 649-669): GPDAVLMAEG[Asn659His]PPTELTQSQM